The following is an entry in ClinVar:

ClinVar aggregate classification (germline): Uncertain significance (1 of 4 stars; one submission).

Submission:

Ambry Genetics
Classification: Uncertain significance. Last evaluated: 2024-11-26. Review status: criteria provided, single submitter. Criteria: Ambry Variant Classification Scheme 2023. Collection method: clinical testing. Allele origin: germline.
Comment: The p.G520R variant (also known as c.1558G>A), located in coding exon 8 of the ATRIP gene, results from a G to A substitution at nucleotide position 1558. The glycine at codon 520 is replaced by arginine, an amino acid with dissimilar properties. This amino acid position is conserved. In addition, this alteration is predicted to be tolerated by in silico analysis. Based on the available evidence, the clinical significance of this variant remains unclear.

NM_130384.3(ATRIP):c.1558G>A (p.Gly520Arg)

Genes: ATRIP (ATR interacting protein; plus strand), ATRIP-TREX1 (ATRIP-TREX1 readthrough; plus strand). Cytogenetic location: 3p21.31.
Variant type: single nucleotide variant.
Coding change: c.1558G>A on transcript NM_130384.3 (MANE Select); coding-DNA position 1558, G replaced by A.
Protein change: p.Gly520Arg; replaces glycine 520 with arginine.
Molecular consequence: missense variant. On other transcripts: non-coding transcript variant (1).
Genome position (GRCh38, 1-based): chr3:48,460,612, G>A. VCF-style: chr3-48460612-G-A. GRCh37 (hg19) VCF-style: chr3-48502011-G-A.
Other names: c.1177G>A, p.Gly393Arg (NM_001271022.2); c.1279G>A, p.Gly427Arg (NM_001271023.2); c.1558G>A, p.Gly520Arg (NM_032166.4); short protein forms G520R, G393R, G427R.
Identifiers: ClinVar variation 3464611 (VCV003464611.1).